The following is an entry in ClinVar:

NM_004371.4(COPA):c.310-77T>C

Gene: COPA (COPI coat complex subunit alpha; minus strand). Cytogenetic location: 1q23.2.
Variant type: single nucleotide variant.
Coding change: c.310-77T>C on transcript NM_004371.4 (MANE Select); 77 bases into the intron before coding-DNA position 310, T replaced by C.
Molecular consequence: intron variant.
Genome position (GRCh38, 1-based): chr1:160,333,756, A>G on the plus strand (T>C on the coding strand, the complement: COPA is on the minus strand). VCF-style: chr1-160333756-A-G. GRCh37 (hg19) VCF-style: chr1-160303546-A-G.
Other names: c.310-77T>C (NM_001098398.2).
Identifiers: ClinVar variation 2628307 (VCV002628307.2), dbSNP rs12032411, ClinGen allele CA31522996.

ClinVar aggregate classification (germline): Benign (1 of 4 stars; one submission).

Allele frequency attached by ClinVar (database versions not stated): gnomAD exomes 0.00793; gnomAD 0.01010; TOPMed 0.01922; 1000 Genomes Project 0.02097; 1000 Genomes Project 30x 0.02186.
gnomAD v4.1: 9,564 of 1,175,474 alleles (0.81%); highest among the groups gnomAD compares: Admixed American, 15%; 832 homozygotes.

Submission:

Unidad de Genómica Garrahan, Hospital de Pediatría Garrahan
Classification: Benign. Last evaluated: 2023-11-12. Review status: criteria provided, single submitter. Criteria: ACMG Guidelines, 2015. Collection method: clinical testing. Allele origin: germline. Affected: no. Observed: 19 variant alleles.
Comment: This variant is classified as Benign based on local population frequency. This variant was detected in 20% of patients studied by a panel of primary immunodeficiencies. Number of patients: 19. Only high quality variants are reported.